The following is an entry in ClinVar:

ClinVar aggregate classification (germline): Conflicting classifications of pathogenicity. Review status: criteria provided, conflicting classifications (1 of 4 stars). 2 submissions from 2 submitters: Uncertain significance (1); Likely benign (1). Last evaluated 2025-06-12.

Conditions:
Inborn genetic diseases. Identifiers: MedGen C0950123, MeSH D030342.

Allele frequency attached by ClinVar (database versions not stated): ExAC 0.00002; gnomAD 0.00005; TOPMed 0.00008; 1000 Genomes Project 30x 0.00021; 1000 Genomes Project 0.00079.

Submissions (2):

Labcorp Genetics (formerly Invitae), Labcorp
Classification: Likely benign. Last evaluated: 2025-06-12. Review status: criteria provided, single submitter. Criteria: Invitae Variant Classification Sherloc (09022015). Collection method: clinical testing. Allele origin: germline.

Ambry Genetics
Classification: Uncertain significance for Inborn genetic diseases. Last evaluated: 2021-01-13. Review status: criteria provided, single submitter. Criteria: Ambry Variant Classification Scheme 2023. Collection method: clinical testing. Allele origin: germline.
Comment: The c.1082A>G (p.E361G) alteration is located in exon 7 (coding exon 7) of the TAF1 gene. This alteration results from a A to G substitution at nucleotide position 1082, causing the glutamic acid (E) at amino acid position 361 to be replaced by a glycine (G). The in silico prediction for the p.E361G alteration is inconclusive. Based on insufficient or conflicting evidence, the clinical significance of this alteration remains unclear.

NM_004606.5(TAF1):c.1022A>G (p.Glu341Gly)

Gene: TAF1 (TATA-box binding protein associated factor 1; plus strand). Cytogenetic location: Xq13.1.
Variant type: single nucleotide variant.
Coding change: c.1022A>G on transcript NM_004606.5 (MANE Select); coding-DNA position 1022, A replaced by G.
Protein change: p.Glu341Gly; replaces glutamic acid 341 with glycine.
Molecular consequence: missense variant. On other transcripts: non-coding transcript variant (9).
Genome position (GRCh38, 1-based): chrX:71,378,323, A>G. VCF-style: chrX-71378323-A-G. GRCh37 (hg19) VCF-style: chrX-70598173-A-G.
Other names: c.1022A>G, p.Glu341Gly (NM_001286074.2); c.959A>G, p.Glu320Gly (NM_138923.4); c.1082A>G (NM_004606.3); short protein forms E341G, E320G.
Identifiers: ClinVar variation 2771062 (VCV002771062.4), dbSNP rs763871407, ClinGen allele CA10446658.